The following is an entry in ClinVar:

NM_000875.5(IGF1R):c.1716G>A (p.Lys572=)

Gene: IGF1R (insulin like growth factor 1 receptor; plus strand). Cytogenetic location: 15q26.3.
Variant type: single nucleotide variant.
Coding change: c.1716G>A on transcript NM_000875.5 (MANE Select); coding-DNA position 1716, G replaced by A.
Protein change: p.Lys572=; no amino-acid change (lysine 572 retained).
Molecular consequence: synonymous variant.
Genome position (GRCh38, 1-based): chr15:98,913,170, G>A. VCF-style: chr15-98913170-G-A. GRCh37 (hg19) VCF-style: chr15-99456399-G-A.
Other names: c.1716G>A, p.Lys572= (NM_001291858.2).
Identifiers: ClinVar variation 2122251 (VCV002122251.23), dbSNP rs1405874779, ClinGen allele CA492682544.

ClinVar aggregate classification (germline): Likely benign. Review status: criteria provided, multiple submitters, no conflicts (2 of 4 stars). 2 submissions from 2 submitters: Likely benign (2). Last evaluated 2025-01-06.

Allele frequency attached by ClinVar (database versions not stated): TOPMed below 0.00001; gnomAD 0.00001; gnomAD exomes 0.00001.
gnomAD v4.1: 4 of 1,614,106 alleles (0.00025%); highest among the groups gnomAD compares: Non-Finnish European, 0.00034%; no homozygotes.

Submissions (2):

Labcorp Genetics (formerly Invitae), Labcorp
Classification: Likely benign. Last evaluated: 2025-01-06. Review status: criteria provided, single submitter. Criteria: Invitae Variant Classification Sherloc (09022015). Collection method: clinical testing. Allele origin: germline.

CeGaT Center for Human Genetics Tuebingen
Classification: Likely benign. Last evaluated: 2024-05-01. Review status: criteria provided, single submitter. Criteria: CeGaT Center For Human Genetics Tuebingen Variant Classification Criteria Version 2. Collection method: clinical testing. Allele origin: germline. Affected: yes. Observed: 1 variant allele.
Comment: IGF1R: BP4, BP7